The following is an entry in ClinVar:

ClinVar aggregate classification (germline): Uncertain significance (1 of 4 stars; one submission).

Conditions:
Epileptic encephalopathy. Identifiers: MedGen C0543888, HP:0200134.

Allele frequency attached by ClinVar (database versions not stated): gnomAD exomes below 0.00001.
gnomAD v4.1: 2 of 1,613,838 alleles (0.00012%); highest among the groups gnomAD compares: Middle Eastern, 0.017%; no homozygotes.

Submission:

Labcorp Genetics (formerly Invitae), Labcorp
Classification: Uncertain significance for Epileptic encephalopathy. Last evaluated: 2022-08-15. Review status: criteria provided, single submitter. Criteria: Invitae Variant Classification Sherloc (09022015). Collection method: clinical testing. Allele origin: germline.
Comment: In summary, the available evidence is currently insufficient to determine the role of this variant in disease. Therefore, it has been classified as a Variant of Uncertain Significance. Algorithms developed to predict the effect of missense changes on protein structure and function (SIFT, PolyPhen-2, Align-GVGD) all suggest that this variant is likely to be disruptive. ClinVar contains an entry for this variant (Variation ID: 1420709). This variant has not been reported in the literature in individuals affected with RYR3-related conditions. This variant is not present in population databases (gnomAD no frequency). This sequence change replaces leucine, which is neutral and non-polar, with valine, which is neutral and non-polar, at codon 2680 of the RYR3 protein (p.Leu2680Val).

NM_001036.6(RYR3):c.8038C>G (p.Leu2680Val)

Gene: RYR3 (ryanodine receptor 3; plus strand). Cytogenetic location: 15q14.
Variant type: single nucleotide variant.
Coding change: c.8038C>G on transcript NM_001036.6 (MANE Select); coding-DNA position 8038, C replaced by G.
Protein change: p.Leu2680Val; replaces leucine 2680 with valine.
Molecular consequence: missense variant.
Genome position (GRCh38, 1-based): chr15:33,748,162, C>G. VCF-style: chr15-33748162-C-G. GRCh37 (hg19) VCF-style: chr15-34040363-C-G.
Other names: c.8038C>G, p.Leu2680Val (NM_001243996.4); short protein forms L2680V.
Identifiers: ClinVar variation 1420709 (VCV001420709.8), dbSNP rs2070931192, ClinGen allele CA391582699.